The following is an entry in ClinVar:

ClinVar aggregate classification (germline): Uncertain significance (1 of 4 stars; one submission).

Conditions:
Inborn genetic diseases. Identifiers: MedGen C0950123, MeSH D030342.

gnomAD v4.1: 3 of 1,613,066 alleles (0.00019%); highest among the groups gnomAD compares: Non-Finnish European, 0.00025%; no homozygotes.

Submission:

Ambry Genetics
Classification: Uncertain significance for Inborn genetic diseases. Last evaluated: 2026-01-14. Review status: criteria provided, single submitter. Criteria: Ambry Variant Classification Scheme 2023. Collection method: clinical testing. Allele origin: germline.
Comment: The p.A1338D variant (also known as c.4013C>A), located in coding exon 1 of the SAMD9 gene, results from a C to A substitution at nucleotide position 4013. The alanine at codon 1338 is replaced by aspartic acid, an amino acid with dissimilar properties. This amino acid position is conserved. In addition, this alteration is predicted to be tolerated by in silico analysis. Based on the available evidence, the clinical significance of this variant remains unclear.

NM_017654.4(SAMD9):c.4013C>A (p.Ala1338Asp)

Gene: SAMD9 (sterile alpha motif domain containing 9; minus strand). Cytogenetic location: 7q21.2.
Variant type: single nucleotide variant.
Coding change: c.4013C>A on transcript NM_017654.4 (MANE Select); coding-DNA position 4013, C replaced by A.
Protein change: p.Ala1338Asp; replaces alanine 1338 with aspartic acid.
Molecular consequence: missense variant.
Genome position (GRCh38, 1-based): chr7:93,102,085, G>T on the plus strand (C>A on the coding strand, the complement: SAMD9 is on the minus strand). VCF-style: chr7-93102085-G-T. GRCh37 (hg19) VCF-style: chr7-92731398-G-T.
Other names: c.4013C>A, p.Ala1338Asp (NM_001193307.2); short protein forms A1338D.
Identifiers: ClinVar variation 4843147 (VCV004843147.1).